The following is an entry in ClinVar:

NM_000059.4(BRCA2):c.2878A>C (p.Lys960Gln)

Gene: BRCA2 (BRCA2 DNA repair associated; plus strand). Cytogenetic location: 13q13.1.
Variant type: single nucleotide variant.
Coding change: c.2878A>C on transcript NM_000059.4 (MANE Select); coding-DNA position 2878, A replaced by C.
Protein change: p.Lys960Gln; replaces lysine 960 with glutamine.
Molecular consequence: missense variant.
Genome position (GRCh38, 1-based): chr13:32,337,233, A>C. VCF-style: chr13-32337233-A-C. GRCh37 (hg19) VCF-style: chr13-32911370-A-C.
Other names: c.2878A>C, p.Lys960Gln (NM_001406719.1, NM_001406720.1); short protein forms K960Q.
Identifiers: ClinVar variation 1797120 (VCV001797120.4), dbSNP rs876659267, ClinGen allele CA387774058.
Genomic context (GRCh38, chr13:32,337,233, plus strand): 5'-CAAGTGTCAATTAAAAAAGATTTGGTTTATGTTCTTGCAGAGGAGAACAAAAATAGTGTA[A>C]AGCAGCATATAAAAATGACTCTAGGTCAAGATTTAAAATCGGACATCTCCTTGAATATAG-3'
Protein context (NP_000050.3, residues 950-970): VLAEENKNSV[Lys960Gln]QHIKMTLGQD

ClinVar aggregate classification (germline): Conflicting classifications of pathogenicity. Review status: criteria provided, conflicting classifications (1 of 4 stars). 2 submissions from 2 submitters: Uncertain significance (1); Likely benign (1). Last evaluated 2023-03-23.

Conditions:
Hereditary cancer-predisposing syndrome. Also called: Tumor predisposition; Hereditary Cancer Syndrome; Neoplastic Syndromes, Hereditary; Hereditary neoplastic syndrome. Identifiers: Orphanet 140162, MedGen C0027672, MeSH D009386, MONDO:0015356.

Submissions (2):

University of Washington Department of Laboratory Medicine, University of Washington
Classification: Likely benign for Hereditary cancer-predisposing syndrome. Last evaluated: 2023-03-23. Review status: criteria provided, single submitter. Criteria: Dines et al. (Genet Med. 2020). Collection method: curation. Allele origin: germline.
Comment: Missense variant in a coldspot region where missense variants are very unlikely to be pathogenic (PMID:31911673).

BRCA2 exon 11 coldspot. Reclassification based on statistical prior probability.

Ambry Genetics
Classification: Uncertain significance for Hereditary cancer-predisposing syndrome. Last evaluated: 2021-07-23. Review status: criteria provided, single submitter. Criteria: Ambry Variant Classification Scheme 2023. Collection method: clinical testing. Allele origin: germline.
Comment: The p.K960Q variant (also known as c.2878A>C), located in coding exon 10 of the BRCA2 gene, results from an A to C substitution at nucleotide position 2878. The lysine at codon 960 is replaced by glutamine, an amino acid with similar properties. This amino acid position is not well conserved in available vertebrate species. In addition, this alteration is predicted to be tolerated by in silico analysis. Since supporting evidence is limited at this time, the clinical significance of this alteration remains unclear.